The following is an entry in ClinVar:

ClinVar aggregate classification (germline): Uncertain significance (1 of 4 stars; one submission).

gnomAD v4.1: 3 of 1,369,364 alleles (0.00022%); highest among the groups gnomAD compares: Non-Finnish European, 0.00028%; no homozygotes.

Submission:

Labcorp Genetics (formerly Invitae), Labcorp
Classification: Uncertain significance. Last evaluated: 2024-10-24. Review status: criteria provided, single submitter. Criteria: Invitae Variant Classification Sherloc (09022015). Collection method: clinical testing. Allele origin: germline.
Comment: This sequence change replaces proline, which is neutral and non-polar, with serine, which is neutral and polar, at codon 36 of the FBXO11 protein (p.Pro36Ser). The frequency data for this variant in the population databases is considered unreliable, as metrics indicate poor data quality at this position in the gnomAD database. This variant has not been reported in the literature in individuals affected with FBXO11-related conditions. ClinVar contains an entry for this variant (Variation ID: 1976160). Experimental studies and prediction algorithms are not available or were not evaluated, and the functional significance of this variant is currently unknown. In summary, the available evidence is currently insufficient to determine the role of this variant in disease. Therefore, it has been classified as a Variant of Uncertain Significance.

NM_001190274.2(FBXO11):c.106C>T (p.Pro36Ser)

Genes: FBXO11 (F-box protein 11; minus strand), LOC100506235 (uncharacterized LOC100506235; plus strand). Cytogenetic location: 2p16.3.
Variant type: single nucleotide variant.
Coding change: c.106C>T on transcript NM_001190274.2 (MANE Select); coding-DNA position 106, C replaced by T.
Protein change: p.Pro36Ser; replaces proline 36 with serine.
Molecular consequence: missense variant. On other transcripts: non-coding transcript variant (1).
Genome position (GRCh38, 1-based): chr2:47,905,615, G>A on the plus strand (C>T on the coding strand, the complement: FBXO11 is on the minus strand). VCF-style: chr2-47905615-G-A. GRCh37 (hg19) VCF-style: chr2-48132754-G-A.
Other names: short protein forms P36S.
Identifiers: ClinVar variation 1976160 (VCV001976160.5), dbSNP rs1325611844, ClinGen allele CA346812781.